The following is an entry in ClinVar:

ClinVar aggregate classification (germline): Benign/Likely benign. Review status: criteria provided, multiple submitters, no conflicts (2 of 4 stars). 3 submissions from 3 submitters: Benign (1); Likely benign (2). Last evaluated 2024-09-18.

Conditions:
Hereditary cancer-predisposing syndrome. Also called: Hereditary neoplastic syndrome; Neoplastic Syndromes, Hereditary; Tumor predisposition; Hereditary Cancer Syndrome. Identifiers: Orphanet 140162, MedGen C0027672, MeSH D009386, MONDO:0015356.
Hereditary diffuse gastric adenocarcinoma (HDGC). Also called: DIFFUSE GASTRIC AND LOBULAR BREAST CANCER SYNDROME. Identifiers: Orphanet 26106, MedGen C1708349, MONDO:0007648, OMIM 137215.

gnomAD v4.1: 1 of 1,614,226 alleles (0.000062%); highest among the groups gnomAD compares: Non-Finnish European, 0.000085%; no homozygotes.

Submissions (3):

Myriad Genetics, Inc.
Classification: Benign for Hereditary diffuse gastric adenocarcinoma. Last evaluated: 2024-09-18. Review status: criteria provided, single submitter. Criteria: Myriad Autosomal Dominant, Autosomal Recessive and X-Linked Classification Criteria (2023). Collection method: clinical testing. Allele origin: unknown.
Comment: This variant is considered benign. This variant is a silent/synonymous amino acid change and it is not expected to impact splicing.

Labcorp Genetics (formerly Invitae), Labcorp
Classification: Likely benign for Hereditary diffuse gastric adenocarcinoma. Last evaluated: 2023-01-19. Review status: criteria provided, single submitter. Criteria: Invitae Variant Classification Sherloc (09022015). Collection method: clinical testing. Allele origin: germline.

Ambry Genetics
Classification: Likely benign for Hereditary cancer-predisposing syndrome. Last evaluated: 2018-11-21. Review status: criteria provided, single submitter. Criteria: Ambry Variant Classification Scheme 2023. Collection method: clinical testing. Allele origin: germline.

NM_004360.5(CDH1):c.1404C>G (p.Thr468=)

Gene: CDH1 (cadherin 1; plus strand). Cytogenetic location: 16q22.1.
Variant type: single nucleotide variant.
Coding change: c.1404C>G on transcript NM_004360.5 (MANE Select); coding-DNA position 1404, C replaced by G.
Protein change: p.Thr468=; no amino-acid change (threonine 468 retained).
Molecular consequence: synonymous variant. On other transcripts: 5 prime UTR variant (2).
Genome position (GRCh38, 1-based): chr16:68,815,598, C>G. VCF-style: chr16-68815598-C-G. GRCh37 (hg19) VCF-style: chr16-68849501-C-G.
Other names: c.1404C>G (LRG_301t1); c.1221C>G, p.Thr407= (NM_001317184.2); c.-145C>G (NM_001317185.2); c.-416C>G (NM_001317186.2).
Identifiers: ClinVar variation 463714 (VCV000463714.16), dbSNP rs1555516122, ClinGen allele CA496153964.